The following is an entry in ClinVar:

ClinVar aggregate classification (germline): Benign. Review status: criteria provided, multiple submitters, no conflicts (2 of 4 stars). 12 submissions from 12 submitters: Benign (10). 2 of the submissions do not count toward it. Last evaluated 2026-02-03.

Conditions:
Hereditary cancer-predisposing syndrome. Also called: Hereditary Cancer Syndrome; Neoplastic Syndromes, Hereditary; Hereditary neoplastic syndrome; Tumor predisposition. Identifiers: Orphanet 140162, MedGen C0027672, MeSH D009386, MONDO:0015356.
POLD1-related polyposis and colorectal cancer syndrome (CRCS10). Also called: COLORECTAL CANCER, SUSCEPTIBILITY TO, ON CHROMOSOME 19q; Colorectal cancer 10; Colorectal cancer, susceptibility to, 10. Identifiers: Orphanet 220460, MedGen C2675481, MONDO:0012953, OMIM 612591.

Allele frequency attached by ClinVar (database versions not stated): gnomAD 0.00109 and 0.00159; TOPMed 0.00176; gnomAD exomes 0.00398; ExAC 0.00570; 1000 Genomes Project 30x 0.00999; 1000 Genomes Project 0.01178.
gnomAD v4.1: 1,851 of 1,607,326 alleles (0.12%); highest among the groups gnomAD compares: East Asian, 3.7%; 40 homozygotes.

Submissions (12):

Labcorp Genetics (formerly Invitae), Labcorp
Classification: Benign for POLD1-related polyposis and colorectal cancer syndrome. Last evaluated: 2026-02-03. Review status: criteria provided, single submitter. Criteria: Invitae Variant Classification Sherloc (09022015). Collection method: clinical testing. Allele origin: germline.

Center for Genomic Medicine, Rigshospitalet, Copenhagen University Hospital
Classification: Benign. Last evaluated: 2025-03-04. Review status: criteria provided, single submitter. Criteria: ACMG Guidelines, 2015. Collection method: clinical testing. Allele origin: germline.

KCCC/NGS Laboratory, Kuwait Cancer Control Center
Classification: Benign for POLD1-related polyposis and colorectal cancer syndrome. Last evaluated: 2023-07-07. Review status: criteria provided, single submitter. Criteria: ACMG Guidelines, 2015. Collection method: clinical testing. Allele origin: germline. Affected: yes.

ARUP Laboratories, Molecular Genetics and Genomics, ARUP Laboratories
Classification: Benign. Last evaluated: 2022-06-22. Review status: criteria provided, single submitter. Criteria: ARUP Molecular Germline Variant Investigation Process 2021. Collection method: clinical testing. Allele origin: germline.

Mayo Clinic Laboratories, Mayo Clinic
Classification: Benign. Last evaluated: 2021-04-26. Review status: criteria provided, single submitter. Criteria: ACMG Guidelines, 2015. Collection method: clinical testing. Allele origin: germline. Observed: 2 variant alleles.

Women's Health and Genetics/Laboratory Corporation of America, LabCorp
Classification: Benign. Last evaluated: 2019-11-05. Review status: criteria provided, single submitter. Criteria: LabCorp Variant Classification Summary - May 2015. Collection method: clinical testing. Allele origin: germline.
Comment: Variant summary: POLD1 c.33C>T alters a non-conserved nucleotide resulting in a synonymous change. 5/5 computational tools predict no significant impact on normal splicing. However, these predictions have yet to be confirmed by functional studies. The variant allele was found at a frequency of 0.004 in 234716 control chromosomes in the gnomAD database, including 25 homozygotes. The observed variant frequency is approximately 280 fold of the estimated maximal expected allele frequency for a pathogenic variant in POLD1 causing Colorectal Cancer phenotype (1.4e-05), strongly suggesting that the variant is benign. Six ClinVar submitters (evaluation after 2014) cite the variant as benign/likely benign. Based on the evidence outlined above, the variant was classified as benign.

PreventionGenetics, part of Exact Sciences
Classification: Benign. Last evaluated: 2018-01-08. Review status: criteria provided, single submitter. Criteria: ACMG Guidelines, 2015. Collection method: clinical testing. Allele origin: germline.

Quest Diagnostics Nichols Institute San Juan Capistrano
Classification: Benign. Last evaluated: 2016-12-28. Review status: criteria provided, single submitter. Criteria: Quest Diagnostics criteria. Collection method: clinical testing. Allele origin: unknown.

GeneDx
Classification: Benign. Last evaluated: 2015-12-22. Review status: criteria provided, single submitter. Criteria: GeneDx Variant Classification (06012015). Collection method: clinical testing. Allele origin: germline. Affected: yes.
Comment: This variant is considered likely benign or benign based on one or more of the following criteria: it is a conservative change, it occurs at a poorly conserved position in the protein, it is predicted to be benign by multiple in silico algorithms, and/or has population frequency not consistent with disease.

Ambry Genetics
Classification: Benign for Hereditary cancer-predisposing syndrome. Last evaluated: 2015-05-20. Review status: criteria provided, single submitter. Criteria: Ambry Variant Classification Scheme 2023. Collection method: clinical testing. Allele origin: germline.

True Health Diagnostics
Classification: Likely benign for Hereditary cancer-predisposing syndrome. Last evaluated: 2017-09-13. Review status: no assertion criteria provided. Collection method: clinical testing. Allele origin: germline. Not counted in ClinVar's aggregate classification.

Department of Pathology and Laboratory Medicine, Sinai Health System
Classification: Benign. Review status: no assertion criteria provided. Collection method: clinical testing. Allele origin: unknown. Affected: yes. Observed: 4 variant alleles. Study: The Canadian Open Genetics Repository (COGR). Not counted in ClinVar's aggregate classification.
Comment: The POLD1 p.Pro11= variant was not identified in the literature. The variant was identified in the following databases: dbSNP (ID: rs3218768) as "With Benign allele ", ClinVar (4x as benign by Invitae, GeneDx, Ambry Genetics, Quest Diagnostics Nichols Institute San Juan Capistrano), and LOVD 3.0. It was identified in 937 of 261746 chromosomes (25 homozygous) at a frequency of 0.004, increasing the likelihood this could be a low frequency benign variant (Genome Aggregation Database Feb 27, 2017). The variant was observed in the following populations: East Asian in 913 of 18194 chromosomes (freq: 0.05), Other in 10 of 6104 chromosomes (freq: 0.002), Latino in 4 of 33324 chromosomes (freq: 0.0001), European in 2 of 118794 chromosomes (freq: 0.00002), and South Asian in 8 of 29432 chromosomes (freq: 0.0003); it was not observed in the African, Ashkenazi Jewish, or Finnish populations. The p.Pro11= variant is not expected to have clinical significance because it does not result in a change of amino acid and is not located in a known consensus splice site. In addition, in silico or computational prediction software programs (SpliceSiteFinder, MaxEntScan, NNSPLICE, GeneSplicer, HumanSpliceFinder) do not predict a difference in splicing. In summary, based on the above information this variant meets our laboratory's criteria to be classified as benign.

NM_002691.4(POLD1):c.33C>T (p.Pro11=)

Gene: POLD1 (DNA polymerase delta 1, catalytic subunit; plus strand). Cytogenetic location: 19q13.33.
Variant type: single nucleotide variant.
Coding change: c.33C>T on transcript NM_002691.4 (MANE Select); coding-DNA position 33, C replaced by T.
Protein change: p.Pro11=; no amino-acid change (proline 11 retained).
Molecular consequence: synonymous variant. On other transcripts: non-coding transcript variant (1).
Genome position (GRCh38, 1-based): chr19:50,398,884, C>T. VCF-style: chr19-50398884-C-T. GRCh37 (hg19) VCF-style: chr19-50902141-C-T.
Other names: p.Pro11=; c.33C>T, p.Pro11= (NM_001256849.1, NM_001308632.1).
Identifiers: ClinVar variation 239344 (VCV000239344.32), dbSNP rs3218768, ClinGen allele CA9595587.